The following is an entry in ClinVar:

NM_138387.4(G6PC3):c.643T>C (p.Trp215Arg)

Gene: G6PC3 (glucose-6-phosphatase catalytic subunit 3; plus strand). Cytogenetic location: 17q21.31.
Variant type: single nucleotide variant.
Coding change: c.643T>C on transcript NM_138387.4 (MANE Select); coding-DNA position 643, T replaced by C.
Protein change: p.Trp215Arg; replaces tryptophan 215 with arginine.
Molecular consequence: missense variant.
Genome position (GRCh38, 1-based): chr17:44,075,417, T>C. VCF-style: chr17-44075417-T-C. GRCh37 (hg19) VCF-style: chr17-42152785-T-C.
Other names: c.298T>C, p.Trp100Arg (NM_001384165.1, NM_001384166.1, NM_001384167.1 and 1 more transcripts); c.524T>C, p.Leu175Ser (NM_001319945.2); short protein forms L175S, W100R, W215R.
Identifiers: ClinVar variation 1308391 (VCV001308391.10), dbSNP rs2144152394, ClinGen allele CA399728705.
Genomic context (GRCh38, chr17:44,075,417, plus strand): 5'-GAGCTAAGCTTCTATGGGTTGACTGCACTGGCCCTCATGCTAGGCACCAGCCTCATCTAT[T>C]GGACCCTCTTTACACTGGGCCTGGATCTTTCTTGGTAAGTCTCGCTTTGAAGCCTGGGCA-3'
Protein context (NP_612396.1, residues 205-225): ALMLGTSLIY[Trp215Arg]TLFTLGLDLS

ClinVar aggregate classification (germline): Uncertain significance. Review status: criteria provided, multiple submitters, no conflicts (2 of 4 stars). 4 submissions from 4 submitters: Uncertain significance (4). Last evaluated 2026-01-23.

Conditions:
Autosomal recessive severe congenital neutropenia due to G6PC3 deficiency. Also called: G6PC3 Deficiency; NEUTROPENIA, SEVERE CONGENITAL, 4, AUTOSOMAL RECESSIVE. Identifiers: Orphanet 331176, MedGen C2751630, MONDO:0012930, OMIM 612541.
Inborn genetic diseases. Identifiers: MedGen C0950123, MeSH D030342.

Submissions (4):

Women's Health and Genetics/Laboratory Corporation of America, LabCorp
Classification: Uncertain significance. Last evaluated: 2026-01-23. Review status: criteria provided, single submitter. Criteria: LabCorp Variant Classification Summary - May 2015. Collection method: clinical testing. Allele origin: germline.

Ambry Genetics
Classification: Uncertain significance for Inborn genetic diseases. Last evaluated: 2025-05-18. Review status: criteria provided, single submitter. Criteria: Ambry Variant Classification Scheme 2023. Collection method: clinical testing. Allele origin: germline.
Comment: The p.W215R variant (also known as c.643T>C), located in coding exon 5 of the G6PC3 gene, results from a T to C substitution at nucleotide position 643. The tryptophan at codon 215 is replaced by arginine, an amino acid with dissimilar properties. This amino acid position is conserved. In addition, this alteration is predicted to be deleterious by in silico analysis. Based on the available evidence, the clinical significance of this variant remains unclear.

Labcorp Genetics (formerly Invitae), Labcorp
Classification: Uncertain significance for Autosomal recessive severe congenital neutropenia due to G6PC3 deficiency. Last evaluated: 2024-07-29. Review status: criteria provided, single submitter. Criteria: Invitae Variant Classification Sherloc (09022015). Collection method: clinical testing. Allele origin: germline.
Comment: This sequence change replaces tryptophan, which is neutral and slightly polar, with arginine, which is basic and polar, at codon 215 of the G6PC3 protein (p.Trp215Arg). This variant is not present in population databases (gnomAD no frequency). This variant has not been reported in the literature in individuals affected with G6PC3-related conditions. ClinVar contains an entry for this variant (Variation ID: 1308391). Advanced modeling of protein sequence and biophysical properties (such as structural, functional, and spatial information, amino acid conservation, physicochemical variation, residue mobility, and thermodynamic stability) performed at Invitae indicates that this missense variant is not expected to disrupt G6PC3 protein function with a negative predictive value of 80%. In summary, the available evidence is currently insufficient to determine the role of this variant in disease. Therefore, it has been classified as a Variant of Uncertain Significance.

GeneDx
Classification: Uncertain significance. Last evaluated: 2019-04-01. Review status: criteria provided, single submitter. Criteria: GeneDx Variant Classification Process June 2021. Collection method: clinical testing. Allele origin: germline. Affected: yes.
Comment: Has not been previously published as pathogenic or benign to our knowledge; Not observed in large population cohorts (Lek et al., 2016); In silico analysis, which includes protein predictors and evolutionary conservation, supports that this variant does not alter protein structure/function